The following is an entry in ClinVar:

NM_001112704.2(VAX1):c.883A>G (p.Met295Val)

Gene: VAX1 (ventral anterior homeobox 1; minus strand). Cytogenetic location: 10q25.3.
Variant type: single nucleotide variant.
Coding change: c.883A>G on transcript NM_001112704.2 (MANE Select); coding-DNA position 883, A replaced by G.
Protein change: p.Met295Val; replaces methionine 295 with valine.
Molecular consequence: missense variant. On other transcripts: intron variant (1).
Genome position (GRCh38, 1-based): chr10:117,134,130, T>C on the plus strand (A>G on the coding strand, the complement: VAX1 is on the minus strand). VCF-style: chr10-117134130-T-C. GRCh37 (hg19) VCF-style: chr10-118893641-T-C.
Other names: c.883A>G (NM_001112704.1); c.430-1653A>G (NM_199131.3); short protein forms M295V.
Identifiers: ClinVar variation 196313 (VCV000196313.9), dbSNP rs794727489, ClinGen allele CA243216.

ClinVar aggregate classification (germline): Uncertain significance. Review status: criteria provided, multiple submitters, no conflicts (2 of 4 stars). 3 submissions from 3 submitters: Uncertain significance (3). Last evaluated 2024-08-15.

Conditions:
Microphthalmia, syndromic 11 (MCOPS11). Identifiers: MedGen C3553077, MONDO:0013734, OMIM 614402.

Allele frequency attached by ClinVar (database versions not stated): gnomAD exomes 0.00002 and 0.00008; gnomAD 0.00027 and 0.00034; TOPMed 0.00042.
gnomAD v4.1: 76 of 1,535,748 alleles (0.0049%); highest among the groups gnomAD compares: African/African-American, 0.07%; no homozygotes.

Submissions (3):

Labcorp Genetics (formerly Invitae), Labcorp
Classification: Uncertain significance for Microphthalmia, syndromic 11. Last evaluated: 2024-08-15. Review status: criteria provided, single submitter. Criteria: Invitae Variant Classification Sherloc (09022015). Collection method: clinical testing. Allele origin: germline.
Comment: This sequence change replaces methionine, which is neutral and non-polar, with valine, which is neutral and non-polar, at codon 295 of the VAX1 protein (p.Met295Val). This variant is present in population databases (rs794727489, gnomAD 0.1%), and has an allele count higher than expected for a pathogenic variant. This variant has not been reported in the literature in individuals affected with VAX1-related conditions. ClinVar contains an entry for this variant (Variation ID: 196313). An algorithm developed to predict the effect of missense changes on protein structure and function (PolyPhen-2) suggests that this variant is likely to be tolerated. In summary, the available evidence is currently insufficient to determine the role of this variant in disease. Therefore, it has been classified as a Variant of Uncertain Significance.

Ambry Genetics
Classification: Uncertain significance. Last evaluated: 2023-12-21. Review status: criteria provided, single submitter. Criteria: Ambry Variant Classification Scheme 2023. Collection method: clinical testing. Allele origin: germline.

Eurofins Ntd Llc (ga)
Classification: Uncertain significance. Last evaluated: 2015-03-06. Review status: criteria provided, single submitter. Criteria: EGL Classification Definitions 2015. Collection method: clinical testing. Allele origin: germline. Observed: 1 variant allele, 1 heterozygote.